The following is an entry in ClinVar:

NM_001110219.3(GJB6):c.-295-219G>A

Gene: GJB6 (gap junction protein beta 6; minus strand). Cytogenetic location: 13q12.11.
Variant type: single nucleotide variant.
Coding change: c.-295-219G>A on transcript NM_001110219.3 (MANE Select); 219 bases into the intron before 295 bases upstream of the start codon, G replaced by A.
Molecular consequence: intron variant.
Genome position (GRCh38, 1-based): chr13:20,231,026, C>T on the plus strand (G>A on the coding strand, the complement: GJB6 is on the minus strand). VCF-style: chr13-20231026-C-T. GRCh37 (hg19) VCF-style: chr13-20805165-C-T.
Other names: c.-186+1168G>A (NM_001110221.3); c.-186+356G>A (NM_001370091.1, NM_001110220.3); c.-301-213G>A (NM_001370090.1); c.-295-219G>A (NM_001370092.1).
Identifiers: ClinVar variation 311396 (VCV000311396.11), dbSNP rs7333727, ClinGen allele CA10633974.

ClinVar aggregate classification (germline): Benign/Likely benign. Review status: criteria provided, multiple submitters, no conflicts (2 of 4 stars). 3 submissions from 3 submitters: Benign (1); Likely benign (2). Last evaluated 2020-08-28.

Conditions:
Hidrotic ectodermal dysplasia syndrome (GJB6). Also called: Hidrotic ectodermal dysplasia; Ectodermal dysplasia 2, hidrotic; Autosomal dominant hidrotic ectodermal dysplasia; Clouston syndrome; Clouston's hidrotic ectodermal dysplasia; CLOUSTON HIDROTIC ECTODERMAL DYSPLASIA. Identifiers: Orphanet 189, MedGen C0162361, MONDO:0007510, OMIM 129500.

Allele frequency attached by ClinVar (database versions not stated): gnomAD 0.01403 and 0.01312; 1000 Genomes Project 30x 0.01624; 1000 Genomes Project 0.01478; TOPMed 0.01516.

Submissions (3):

GeneDx
Classification: Likely benign. Last evaluated: 2020-08-28. Review status: criteria provided, single submitter. Criteria: GeneDx Variant Classification Process June 2021. Collection method: clinical testing. Allele origin: germline. Affected: yes.

Illumina Laboratory Services, Illumina
Classification: Benign for Hidrotic ectodermal dysplasia syndrome. Last evaluated: 2018-01-13. Review status: criteria provided, single submitter. Criteria: ICSL Variant Classification Criteria 13 December 2019. Collection method: clinical testing. Allele origin: germline.
Comment: This variant was observed in the ICSL laboratory as part of a predisposition screen in an ostensibly healthy population. It had not been previously curated by ICSL or reported in the Human Gene Mutation Database (HGMD: prior to June 1st, 2018), and was therefore a candidate for classification through an automated scoring system. Utilizing variant allele frequency, disease prevalence and penetrance estimates, and inheritance mode, an automated score was calculated to assess if this variant is too frequent to cause the disease. Based on the score and internal cut-off values, a variant classified as benign is not then subjected to further curation. The score for this variant resulted in a classification of benign for this disease.

Breakthrough Genomics
Classification: Likely benign. Review status: criteria provided, single submitter. Criteria: ACMG Guidelines, 2015. Collection method: not provided. Allele origin: germline. Inheritance: Autosomal recessive inheritance. Affected: yes.